The following is an entry in ClinVar:

NM_007294.4(BRCA1):c.4945A>T (p.Arg1649Ter)

Gene: BRCA1 (BRCA1 DNA repair associated; minus strand). Cytogenetic location: 17q21.31.
Variant type: single nucleotide variant.
Coding change: c.4945A>T on transcript NM_007294.4 (MANE Select); coding-DNA position 4945, A replaced by T.
Protein change: p.Arg1649Ter; replaces arginine 1649 with a stop codon.
Molecular consequence: nonsense. On other transcripts: non-coding transcript variant (1).
Genome position (GRCh38, 1-based): chr17:43,070,969, T>A on the plus strand (A>T on the coding strand, the complement: BRCA1 is on the minus strand). VCF-style: chr17-43070969-T-A. GRCh37 (hg19) VCF-style: chr17-41222986-T-A.
Other names: c.4939A>T, p.Arg1647Ter (NM_001407638.1, NM_001407639.1, NM_001407640.1 and 14 more transcripts); c.4936A>T, p.Arg1646Ter (NM_001407644.1, NM_001407645.1); c.4864A>T, p.Arg1622Ter (NM_001407658.1, NM_001407656.1, NM_001407657.1); c.4861A>T, p.Arg1621Ter (NM_001407659.1, NM_001407660.1, NM_001407661.1 and 2 more transcripts); c.4822A>T, p.Arg1608Ter (NM_001407664.1, NM_001407665.1, NM_001407666.1 and 6 more transcripts); c.4819A>T, p.Arg1607Ter (NM_001407677.1, NM_001407678.1, NM_001407679.1 and 11 more transcripts); c.4816A>T, p.Arg1606Ter (NM_001407681.1, NM_001407682.1, NM_001407683.1 and 6 more transcripts); c.4945A>T, p.Arg1649Ter (NM_001407684.1, NM_001407854.1, NM_001407593.1 and 8 more transcripts); and 70 more; short protein forms R1602*, R1649*, R545*, R1670*, R1605*, R1623*, R1669*, R369*.
Identifiers: ClinVar variation 868864 (VCV000868864.6), dbSNP rs1312537519, ClinGen allele CA10591633.

ClinVar aggregate classification (germline): Pathogenic. Review status: criteria provided, multiple submitters, no conflicts (2 of 4 stars). 2 submissions from 2 submitters: Pathogenic (2). Last evaluated 2025-03-04.

Submissions (3):

Center for Genomic Medicine, Rigshospitalet, Copenhagen University Hospital
Classification: Pathogenic. Last evaluated: 2025-03-04. Review status: criteria provided, single submitter. Criteria: ACMG Guidelines, 2015. Collection method: clinical testing. Allele origin: germline.

Clinical Genetics Laboratory, Skane University Hospital Lund
Classification: Pathogenic. Last evaluated: 2024-01-04. Review status: criteria provided, single submitter. Criteria: ACMG Guidelines, 2015. Collection method: clinical testing. Allele origin: germline. Affected: yes.

Brotman Baty Institute, University of Washington
No classification provided (evidence only). Condition: Breast-ovarian cancer, familial 1. Review status: no classification provided. Collection method: in vitro. Allele origin: not applicable. Functional consequence: functionally_abnormal. Not counted in ClinVar's aggregate classification.
ClinVar note: "not provided" was previously submitted as the classification for the variant. However, the classification appeared to be based only on an observation of functional data so it was converted to no classification on 2025-07-30.

Literature cited by the submitters: PubMed 30209399 (cited by Center for Genomic Medicine, Rigshospitalet, Copenhagen University Hospital).